The following is an entry in ClinVar:

NM_033118.4(MYLK2):c.783G>A (p.Pro261=)

Gene: MYLK2 (myosin light chain kinase 2; plus strand). Cytogenetic location: 20q11.21.
Variant type: single nucleotide variant.
Coding change: c.783G>A on transcript NM_033118.4 (MANE Select); coding-DNA position 783, G replaced by A.
Protein change: p.Pro261=; no amino-acid change (proline 261 retained).
Molecular consequence: synonymous variant.
Genome position (GRCh38, 1-based): chr20:31,823,487, G>A. VCF-style: chr20-31823487-G-A. GRCh37 (hg19) VCF-style: chr20-30411290-G-A.
Identifiers: ClinVar variation 46529 (VCV000046529.22), dbSNP rs144621796, ClinGen allele CA138546.

ClinVar aggregate classification (germline): Benign/Likely benign. Review status: criteria provided, multiple submitters, no conflicts (2 of 4 stars). 7 submissions from 7 submitters: Benign (2); Likely benign (5). Last evaluated 2026-06-01.

Conditions:
Cardiomyopathy (CMYO). Also called: Cardiomyopathies. Identifiers: Orphanet 167848, MedGen C0878544, MONDO:0004994, HP:0001638. Inheritance: Various modes of inheritance.
Hypertrophic cardiomyopathy 1 (CMH1). Also called: Familial hypertrophic cardiomyopathy 1; MYH7-Related Familial Hypertrophic Cardiomyopathy. Identifiers: MedGen C3495498, MONDO:0008647, OMIM 192600.

Allele frequency attached by ClinVar (database versions not stated): gnomAD exomes 0.00005 and 0.00012; ExAC 0.00012; ESP Exome Variant Server 0.00031; gnomAD 0.00036 and 0.00037; 1000 Genomes Project 30x 0.00047; TOPMed 0.00048; 1000 Genomes Project 0.00060.

Submissions (7):

CeGaT Center for Human Genetics Tuebingen
Classification: Likely benign. Last evaluated: 2026-06-01. Review status: criteria provided, single submitter. Criteria: CeGaT Center For Human Genetics Tuebingen Variant Classification Criteria Version 2. Collection method: clinical testing. Allele origin: germline. Affected: yes. Observed: 1 variant allele.
Comment: MYLK2: BP4, BP7

Labcorp Genetics (formerly Invitae), Labcorp
Classification: Likely benign for Hypertrophic cardiomyopathy 1. Last evaluated: 2026-01-18. Review status: criteria provided, single submitter. Criteria: Invitae Variant Classification Sherloc (09022015). Collection method: clinical testing. Allele origin: germline.

Ambry Genetics
Classification: Likely benign. Last evaluated: 2022-12-23. Review status: criteria provided, single submitter. Criteria: Ambry Variant Classification Scheme 2023. Collection method: clinical testing. Allele origin: germline.

GeneDx
Classification: Likely benign. Last evaluated: 2019-12-16. Review status: criteria provided, single submitter. Criteria: GeneDx Variant Classification Process June 2021. Collection method: clinical testing. Allele origin: germline. Affected: yes.
Comment: This variant is associated with the following publications: (PMID: 24503780)

CHEO Genetics Diagnostic Laboratory, Children's Hospital of Eastern Ontario
Classification: Benign for Cardiomyopathy. Last evaluated: 2017-10-30. Review status: criteria provided, single submitter. Criteria: ACMG Guidelines, 2015. Collection method: clinical testing. Allele origin: germline. Study: Canadian Open Genetics Repository.

Women's Health and Genetics/Laboratory Corporation of America, LabCorp
Classification: Benign. Last evaluated: 2016-01-13. Review status: criteria provided, single submitter. Criteria: LabCorp Variant Classification Summary - May 2015. Collection method: clinical testing. Allele origin: germline.
Comment: Variant summary: The c.783G>A variant involves the alteration of a non-conserved nucleotide resulting in a synonymous change. 5/5 in silico tools via Alamut predict no significant effect on splicing.This variant is found in 14/119742 control chromosomes at a frequency of 0.0001169, which is about 5 times the maximal expected frequency of a pathogenic MYLK2 allele (0.000025). Additionally, this variant is found predominantly in Africans (11/10102; 0.00108889), which is >40-fold higher than the maximal expected allele frequency, highly suggesting this variant is benign. Furthermore, one reputable clinical diagnostic lab classifies this variant as likely benign. Taken together, this variant was classified as benign.

Laboratory for Molecular Medicine, Mass General Brigham Personalized Medicine
Classification: Likely benign. Last evaluated: 2012-03-19. Review status: criteria provided, single submitter. Criteria: LMM Criteria. Collection method: clinical testing. Allele origin: germline. Observed: 1 variant allele.
Comment: Pro261Pro in exon 05 of MYLK2: This variant is not expected to have clinical sig nificance because it does not alter an amino acid residue and is not located wit hin the splice consensus sequence. It has been identified in 0.1% (4/3738) of Af rican American chromosomes from a broad population by the NHLBI Exome Sequencing Project (dbSNP rs144621796). Pro261Pro in ex on 05 of MYLK2 (rs144621796; allele frequency = 0.1%, 4/3738) **

Literature cited by the submitters: PubMed 24503780 (cited by Women's Health and Genetics/Laboratory Corporation of America, LabCorp).